The following is an entry in ClinVar:

ClinVar aggregate classification (germline): Conflicting classifications of pathogenicity. Review status: criteria provided, conflicting classifications (1 of 4 stars). 3 submissions from 3 submitters: Uncertain significance (2); Likely benign (1). Last evaluated 2026-05-14.

Conditions:
MYH9-related disorder. Identifiers: MedGen C1854520.
Macrothrombocytopenia and granulocyte inclusions with or without nephritis or sensorineural hearing loss (MATINS). Also called: MYH9-Related Disease (MYH9-RD); DOHLE LEUKOCYTE INCLUSIONS WITH GIANT PLATELETS; MACROTHROMBOCYTOPENIA WITH LEUKOCYTE INCLUSIONS; BLEEDING DISORDER, PLATELET-TYPE, 6; MAY-HEGGLIN ANOMALY; Epstein syndrome. Identifiers: Orphanet 182050, MedGen C5200934, MONDO:0015912, OMIM 155100.

Allele frequency attached by ClinVar (database versions not stated): gnomAD 0.00001; ExAC 0.00002; TOPMed 0.00002; ESP Exome Variant Server 0.00008; gnomAD exomes 0.00010.
gnomAD v4.1: 147 of 1,611,732 alleles (0.0091%); highest among the groups gnomAD compares: Non-Finnish European, 0.012%; no homozygotes.

Submissions (3):

PreventionGenetics, part of Exact Sciences
Classification: Uncertain significance for MYH9-related condition. Last evaluated: 2026-05-14. Review status: criteria provided, single submitter. Criteria: ACMG Guidelines, 2015. Collection method: clinical testing. Allele origin: germline.
Comment: The MYH9 c.2965A>C variant is predicted to result in the amino acid substitution p.Lys989Gln. To our knowledge, this variant has not been reported in the literature. This variant is reported in 0.0044% of alleles in individuals of European (Non-Finnish) descent in gnomAD. At this time, the clinical significance of this variant is uncertain due to the absence of conclusive functional and genetic evidence.

Labcorp Genetics (formerly Invitae), Labcorp
Classification: Likely benign. Last evaluated: 2024-12-20. Review status: criteria provided, single submitter. Criteria: Invitae Variant Classification Sherloc (09022015). Collection method: clinical testing. Allele origin: germline.

Victorian Clinical Genetics Services, Murdoch Childrens Research Institute
Classification: Uncertain significance for Macrothrombocytopenia and granulocyte inclusions with or without nephritis or sensorineural hearing loss. Last evaluated: 2021-05-06. Review status: criteria provided, single submitter. Criteria: ACMG Guidelines, 2015. Collection method: clinical testing. Allele origin: germline. Inheritance: Autosomal dominant inheritance.
Comment: Based on the classification scheme VCGS_Germline_v1.3.4, this variant is classified as VUS-3C. Following criteria are met: 0103 - Dominant negative and loss of function are known mechanisms of disease in this gene and are associated with macrothrombocytopenia and granulocyte inclusions with or without nephritis or sensorineural hearing loss (MIM#155100) (PMID: 32545517). (I) 0107 - This gene is associated with autosomal dominant disease. (I) 0200 - Variant is predicted to result in a missense amino acid change from lysine to glutamine. (I) 0251 - This variant is heterozygous. (I) 0302 - Variant is present in gnomAD (v2) <0.001 for a dominant condition (5 heterozygotes, 0 homozygotes). (SP) 0501 - Missense variant consistently predicted to be damaging by multiple in silico tools or highly conserved with a major amino acid change. (SP) 0600 - Variant is located in the annotated myosin tail 1 domain (NCBI). (I) 0705 - No comparable missense variants have previous evidence for pathogenicity. (I) 0806 - This variant has limited previous evidence of being benign in unrelated individuals. The variant has previously been observed in an individual ascertained from a MYH9-related bleeding and platelet disorders cohort, however it did not segregate in their similarly affected mother, and was observed in another individual with an unrelated phenotype (PMID: 31562665). (SB) 0905 - No published segregation evidence has been identified for this variant. (I) 1007 - No published functional evidence has been identified for this variant. (I) 1208 - Inheritance information for this variant is not currently available in this individual. (I) Legend: (SP) - Supporting pathogenic, (I) - Information, (SB) - Supporting benign

Literature cited by the submitters: PubMed 31562665 (cited by Victorian Clinical Genetics Services, Murdoch Childrens Research Institute); PubMed 32545517 (cited by Victorian Clinical Genetics Services, Murdoch Childrens Research Institute).

NM_002473.6(MYH9):c.2965A>C (p.Lys989Gln)

Genes: MYH9 (myosin heavy chain 9; minus strand), LOC126863137 (CDK7 strongly-dependent group 2 enhancer GRCh37_chr22:36696002-36697201; plus strand). Cytogenetic location: 22q12.3.
Variant type: single nucleotide variant.
Coding change: c.2965A>C on transcript NM_002473.6 (MANE Select); coding-DNA position 2965, A replaced by C.
Protein change: p.Lys989Gln; replaces lysine 989 with glutamine.
Molecular consequence: missense variant.
Genome position (GRCh38, 1-based): chr22:36,300,138, T>G on the plus strand (A>C on the coding strand, the complement: MYH9 is on the minus strand). VCF-style: chr22-36300138-T-G. GRCh37 (hg19) VCF-style: chr22-36696184-T-G.
Other names: short protein forms K989Q.
Identifiers: ClinVar variation 1804967 (VCV001804967.7), dbSNP rs201389127, ClinGen allele CA10209808.
Genomic context (GRCh38, chr22:36,300,138, plus strand): 5'-CATCCACGGCGCCCCTGGAGCAGCGGCAGGCGACAGCCACGGGCCTCACCTTGGCCAGCT[T>G]GCAGTTCTGGTCCTCCAGGATGATCTGCTCCTCCTCCAGCTTTTTCAGCTTCGCCTCGGT-3'
Protein context (NP_002464.1, residues 979-999): EQIILEDQNC[Lys989Gln]LAKEKKLLED